The following is an entry in ClinVar:

NM_004341.5(CAD):c.2897G>A (p.Gly966Glu)

Gene: CAD (carbamoyl-phosphate synthetase 2, aspartate transcarbamylase, and dihydroorotase; plus strand). Cytogenetic location: 2p23.3.
Variant type: single nucleotide variant.
Coding change: c.2897G>A on transcript NM_004341.5 (MANE Select); coding-DNA position 2897, G replaced by A.
Protein change: p.Gly966Glu; replaces glycine 966 with glutamic acid.
Molecular consequence: missense variant.
Genome position (GRCh38, 1-based): chr2:27,233,046, G>A. VCF-style: chr2-27233046-G-A. GRCh37 (hg19) VCF-style: chr2-27455914-G-A.
Other names: c.2708G>A, p.Gly903Glu (NM_001306079.2); short protein forms G903E, G966E.
Identifiers: ClinVar variation 2091006 (VCV002091006.1), dbSNP rs779471382, ClinGen allele CA1573140.

ClinVar aggregate classification (germline): Uncertain significance (1 of 4 stars; one submission).

Allele frequency attached by ClinVar (database versions not stated): gnomAD exomes below 0.00001; ExAC 0.00001.
gnomAD v4.1: 5 of 1,603,630 alleles (0.00031%); highest among the groups gnomAD compares: Non-Finnish European, 0.00034%; no homozygotes.

Submission:

Labcorp Genetics (formerly Invitae), Labcorp
Classification: Uncertain significance. Last evaluated: 2022-04-09. Review status: criteria provided, single submitter. Criteria: Invitae Variant Classification Sherloc (09022015). Collection method: clinical testing. Allele origin: germline.
Comment: This sequence change replaces glycine, which is neutral and non-polar, with glutamic acid, which is acidic and polar, at codon 966 of the CAD protein (p.Gly966Glu). This variant is present in population databases (rs779471382, gnomAD 0.0009%). This variant has not been reported in the literature in individuals affected with CAD-related conditions. Algorithms developed to predict the effect of missense changes on protein structure and function are either unavailable or do not agree on the potential impact of this missense change (SIFT: "Tolerated"; PolyPhen-2: "Possibly Damaging"; Align-GVGD: "Class C0"). In summary, the available evidence is currently insufficient to determine the role of this variant in disease. Therefore, it has been classified as a Variant of Uncertain Significance.